The following is an entry in ClinVar:

NM_001041.4(SI):c.2870A>G (p.Gln957Arg)

Gene: SI (sucrase-isomaltase; minus strand). Cytogenetic location: 3q26.1.
Variant type: single nucleotide variant.
Coding change: c.2870A>G on transcript NM_001041.4 (MANE Select); coding-DNA position 2870, A replaced by G.
Protein change: p.Gln957Arg; replaces glutamine 957 with arginine.
Molecular consequence: missense variant.
Genome position (GRCh38, 1-based): chr3:165,030,734, T>C on the plus strand (A>G on the coding strand, the complement: SI is on the minus strand). VCF-style: chr3-165030734-T-C. GRCh37 (hg19) VCF-style: chr3-164748522-T-C.
Other names: short protein forms Q957R.
Identifiers: ClinVar variation 4747414 (VCV004747414.1).

ClinVar aggregate classification (germline): Uncertain significance (1 of 4 stars; one submission).

Submission:

Labcorp Genetics (formerly Invitae), Labcorp
Classification: Uncertain significance. Last evaluated: 2025-04-07. Review status: criteria provided, single submitter. Criteria: Invitae Variant Classification Sherloc (09022015). Collection method: clinical testing. Allele origin: germline.
Comment: This sequence change replaces glutamine, which is neutral and polar, with arginine, which is basic and polar, at codon 957 of the SI protein (p.Gln957Arg). This variant is not present in population databases (gnomAD no frequency). This variant has not been reported in the literature in individuals affected with SI-related conditions. Invitae Evidence Modeling of protein sequence and biophysical properties (such as structural, functional, and spatial information, amino acid conservation, physicochemical variation, residue mobility, and thermodynamic stability) indicates that this missense variant is not expected to disrupt SI protein function with a negative predictive value of 95%. In summary, the available evidence is currently insufficient to determine the role of this variant in disease. Therefore, it has been classified as a Variant of Uncertain Significance.